The following is an entry in ClinVar:

NM_144991.3(TSPEAR):c.1463C>A (p.Ser488Ter)

Gene: TSPEAR (thrombospondin type laminin G domain and EAR repeats; minus strand). Cytogenetic location: 21q22.3.
Variant type: single nucleotide variant.
Coding change: c.1463C>A on transcript NM_144991.3 (MANE Select); coding-DNA position 1463, C replaced by A.
Protein change: p.Ser488Ter; replaces serine 488 with a stop codon.
Molecular consequence: nonsense.
Genome position (GRCh38, 1-based): chr21:44,521,986, G>T on the plus strand (C>A on the coding strand, the complement: TSPEAR is on the minus strand). VCF-style: chr21-44521986-G-T. GRCh37 (hg19) VCF-style: chr21-45941869-G-T.
Other names: c.1259C>A, p.Ser420Ter (NM_001272037.2); c.1463C>A (NM_144991.2); short protein forms S488*, S420*.
Identifiers: ClinVar variation 2986614 (VCV002986614.5), dbSNP rs2052743639, ClinGen allele CA410436972.

ClinVar aggregate classification (germline): Pathogenic. Review status: criteria provided, multiple submitters, no conflicts (2 of 4 stars). 3 submissions from 3 submitters: Pathogenic (3). Last evaluated 2026-02-20.

Conditions:
Autosomal recessive nonsyndromic hearing loss 98. Also called: Deafness, autosomal recessive 98. Identifiers: Orphanet 90636, MedGen C3553932, MONDO:0013929, OMIM 614861.
Ectodermal dysplasia 14, hair/tooth type with or without hypohidrosis. Identifiers: Orphanet 685067, MedGen C4748560, MONDO:0032584, OMIM 618180.
Tooth agenesis, selective, 10 (STHAG10). Identifiers: MedGen C5774277, MONDO:0859339, OMIM 620173.

gnomAD v4.1: 4 of 1,614,164 alleles (0.00025%); highest among the groups gnomAD compares: Non-Finnish European, 0.00025%; no homozygotes.

Submissions (3):

GeneDx
Classification: Pathogenic. Last evaluated: 2026-02-20. Review status: criteria provided, single submitter. Criteria: GeneDx Variant Classification Process June 2021. Collection method: clinical testing. Allele origin: germline.
Comment: Nonsense variant predicted to result in protein truncation or nonsense mediated decay in a gene for which loss of function is a known mechanism of disease; Not observed at significant frequency in large population cohorts (gnomAD); This variant is associated with the following publications: (PMID: 34042254, 41195743)

Medical Genetics, Meyer Children Hospital
Classification: Pathogenic for Ectodermal dysplasia 14, hair/tooth type with or without hypohidrosis; Autosomal recessive nonsyndromic hearing loss 98; Tooth agenesis, selective, 10. Last evaluated: 2025-08-04. Review status: criteria provided, single submitter. Criteria: ACMG Guidelines, 2015. Collection method: clinical testing. Allele origin: maternal. Affected: yes.
Comment: PVS1, PM2, PM2

Labcorp Genetics (formerly Invitae), Labcorp
Classification: Pathogenic. Last evaluated: 2025-07-10. Review status: criteria provided, single submitter. Criteria: Invitae Variant Classification Sherloc (09022015). Collection method: clinical testing. Allele origin: germline.
Comment: This sequence change creates a premature translational stop signal (p.Ser488*) in the TSPEAR gene. It is expected to result in an absent or disrupted protein product. Loss-of-function variants in TSPEAR are known to be pathogenic (PMID: 34042254). This variant is not present in population databases (gnomAD no frequency). This variant has not been reported in the literature in individuals affected with TSPEAR-related conditions. ClinVar contains an entry for this variant (Variation ID: 2986614). For these reasons, this variant has been classified as Pathogenic.

Literature cited by the submitters: PubMed 34042254 (cited by Labcorp Genetics (formerly Invitae), Labcorp).